The following is an entry in ClinVar:

ClinVar aggregate classification (germline): Uncertain significance. Review status: criteria provided, multiple submitters, no conflicts (2 of 4 stars). 2 submissions from 2 submitters: Uncertain significance (2). Last evaluated 2022-10-03.

Conditions:
Inborn genetic diseases. Identifiers: MedGen C0950123, MeSH D030342.
Frontotemporal dementia and/or amyotrophic lateral sclerosis 6 (FTDALS6). Also called: VCP-Related Amyotrophic Lateral Sclerosis; VCP-Related Amyotrophic Lateral Sclerosis/Frontotemporal Dementia. Identifiers: Orphanet 275872, Orphanet 803, MedGen C5436279, MONDO:0013501, OMIM 613954.
Inclusion body myopathy with Paget disease of bone and frontotemporal dementia. Also called: Inclusion body myopathy with early-onset Paget disease and frontotemporal dementia. Identifiers: Orphanet 52430, MedGen C1833662, MONDO:0000507.

Allele frequency attached by ClinVar (database versions not stated): gnomAD 0.00001; gnomAD exomes 0.00001; TOPMed 0.00001; ExAC 0.00001.
gnomAD v4.1: 16 of 1,613,980 alleles (0.00099%); highest among the groups gnomAD compares: South Asian, 0.0066%; no homozygotes.

Submissions (2):

Labcorp Genetics (formerly Invitae), Labcorp
Classification: Uncertain significance for Inclusion body myopathy with Paget disease of bone and frontotemporal dementia; Frontotemporal dementia and/or amyotrophic lateral sclerosis 6. Last evaluated: 2022-10-03. Review status: criteria provided, single submitter. Criteria: Invitae Variant Classification Sherloc (09022015). Collection method: clinical testing. Allele origin: germline.
Comment: In summary, the available evidence is currently insufficient to determine the role of this variant in disease. Therefore, it has been classified as a Variant of Uncertain Significance. Advanced modeling of protein sequence and biophysical properties (such as structural, functional, and spatial information, amino acid conservation, physicochemical variation, residue mobility, and thermodynamic stability) performed at Invitae indicates that this missense variant is not expected to disrupt VCP protein function. ClinVar contains an entry for this variant (Variation ID: 966733). This variant has not been reported in the literature in individuals affected with VCP-related conditions. This variant is present in population databases (rs779670266, gnomAD 0.006%). This sequence change replaces arginine, which is basic and polar, with glutamine, which is neutral and polar, at codon 711 of the VCP protein (p.Arg711Gln).

Ambry Genetics
Classification: Uncertain significance for Inborn genetic diseases. Last evaluated: 2020-10-20. Review status: criteria provided, single submitter. Criteria: Ambry Variant Classification Scheme 2023. Collection method: clinical testing. Allele origin: germline.
Comment: The p.R711Q variant (also known as c.2132G>A), located in coding exon 15 of the VCP gene, results from a G to A substitution at nucleotide position 2132. The arginine at codon 711 is replaced by glutamine, an amino acid with highly similar properties. This amino acid position is highly conserved in available vertebrate species. In addition, this alteration is predicted to be deleterious by in silico analysis. This missense alteration is located in a region that has a low rate of benign missense variation (Lek M et al. Nature. 2016 Aug 18;536(7616):285-91; DECIPHER: Database of Chromosomal Imbalance and Phenotype in Humans using Ensembl Resources. Firth H.V. et al. 2009. Am.J.Hum.Genet. 84, 524-533 (DOI)). Since supporting evidence is limited at this time, the clinical significance of this alteration remains unclear.

NM_007126.5(VCP):c.2132G>A (p.Arg711Gln)

Gene: VCP (valosin containing protein; minus strand). Cytogenetic location: 9p13.3.
Variant type: single nucleotide variant.
Coding change: c.2132G>A on transcript NM_007126.5 (MANE Select); coding-DNA position 2132, G replaced by A.
Protein change: p.Arg711Gln; replaces arginine 711 with glutamine.
Molecular consequence: missense variant.
Genome position (GRCh38, 1-based): chr9:35,059,092, C>T on the plus strand (G>A on the coding strand, the complement: VCP is on the minus strand). VCF-style: chr9-35059092-C-T. GRCh37 (hg19) VCF-style: chr9-35059089-C-T.
Other names: c.1997G>A, p.Arg666Gln (NM_001354927.2, NM_001354928.2); short protein forms R666Q, R711Q.
Identifiers: ClinVar variation 966733 (VCV000966733.12), dbSNP rs779670266, ClinGen allele CA5039127.